The following is an entry in ClinVar:

NM_001101.5(ACTB):c.786C>A (p.Phe262Leu)

Gene: ACTB (actin beta; minus strand). Cytogenetic location: 7p22.1.
Variant type: single nucleotide variant.
Coding change: c.786C>A on transcript NM_001101.5 (MANE Select); coding-DNA position 786, C replaced by A.
Protein change: p.Phe262Leu; replaces phenylalanine 262 with leucine.
Molecular consequence: missense variant.
Genome position (GRCh38, 1-based): chr7:5,528,297, G>T on the plus strand (C>A on the coding strand, the complement: ACTB is on the minus strand). VCF-style: chr7-5528297-G-T. GRCh37 (hg19) VCF-style: chr7-5567928-G-T.
Other names: short protein forms F262L.
Identifiers: ClinVar variation 2620903 (VCV002620903.2), dbSNP rs2128241261, ClinGen allele CA366701203.

ClinVar aggregate classification (germline): Uncertain significance (1 of 4 stars; one submission).

Conditions:
Inborn genetic diseases. Identifiers: MedGen C0950123, MeSH D030342.

Submission:

Ambry Genetics
Classification: Uncertain significance for Inborn genetic diseases. Last evaluated: 2023-09-05. Review status: criteria provided, single submitter. Criteria: Ambry Variant Classification Scheme 2023. Collection method: clinical testing. Allele origin: germline.
Comment: The c.786C>A (p.F262L) alteration is located in exon 4 (coding exon 3) of the ACTB gene. This alteration results from a C to A substitution at nucleotide position 786, causing the phenylalanine (F) at amino acid position 262 to be replaced by a leucine (L). This missense alteration is located in a region that has a low rate of benign missense variation (Lek, 2016; Firth, 2009). This alteration is predicted to be deleterious by in silico analysis. Based on insufficient or conflicting evidence, the clinical significance of this alteration remains unclear.